The following is an entry in ClinVar:

NM_152618.3(BBS12):c.1459A>G (p.Arg487Gly)

Gene: BBS12 (Bardet-Biedl syndrome 12; plus strand). Cytogenetic location: 4q27.
Variant type: single nucleotide variant.
Coding change: c.1459A>G on transcript NM_152618.3 (MANE Select); coding-DNA position 1459, A replaced by G.
Protein change: p.Arg487Gly; replaces arginine 487 with glycine.
Molecular consequence: missense variant.
Genome position (GRCh38, 1-based): chr4:122,743,351, A>G. VCF-style: chr4-122743351-A-G. GRCh37 (hg19) VCF-style: chr4-123664506-A-G.
Other names: c.1459A>G, p.Arg487Gly (NM_001178007.2); short protein forms R487G.
Identifiers: ClinVar variation 216822 (VCV000216822.10), dbSNP rs772894742, ClinGen allele CA336279.

ClinVar aggregate classification (germline): Uncertain significance. Review status: criteria provided, multiple submitters, no conflicts (2 of 4 stars). 5 submissions from 5 submitters: Uncertain significance (2). 3 of the submissions do not count toward it. Last evaluated 2023-02-27.

Conditions:
BBS12-related disorder. Also called: BBS12-related condition.
Inborn genetic diseases. Identifiers: MedGen C0950123, MeSH D030342.
Bardet-Biedl syndrome (BBS). Identifiers: Orphanet 110, MedGen C0752166, MONDO:0015229.
Bardet-Biedl syndrome 12 (BBS12). Identifiers: Orphanet 110, MedGen C1859570, MONDO:0014440, OMIM 615989.

Allele frequency attached by ClinVar (database versions not stated): TOPMed 0.00002.
gnomAD v4.1: 12 of 1,614,118 alleles (0.00074%); highest among the groups gnomAD compares: East Asian, 0.024%; no homozygotes.

Submissions (5):

Ambry Genetics
Classification: Uncertain significance for Inborn genetic diseases. Last evaluated: 2023-02-27. Review status: criteria provided, single submitter. Criteria: Ambry Variant Classification Scheme 2023. Collection method: clinical testing. Allele origin: germline.

Labcorp Genetics (formerly Invitae), Labcorp
Classification: Uncertain significance for Bardet-Biedl syndrome. Last evaluated: 2021-09-01. Review status: criteria provided, single submitter. Criteria: Invitae Variant Classification Sherloc (09022015). Collection method: clinical testing. Allele origin: germline.
Comment: This sequence change replaces arginine with glycine at codon 487 of the BBS12 protein (p.Arg487Gly). The arginine residue is moderately conserved and there is a moderate physicochemical difference between arginine and glycine. This variant is not present in population databases (ExAC no frequency). This variant has not been reported in the literature in individuals affected with BBS12-related conditions. ClinVar contains an entry for this variant (Variation ID: 216822). Algorithms developed to predict the effect of missense changes on protein structure and function (SIFT, PolyPhen-2, Align-GVGD) all suggest that this variant is likely to be tolerated. In summary, the available evidence is currently insufficient to determine the role of this variant in disease. Therefore, it has been classified as a Variant of Uncertain Significance.

PreventionGenetics, part of Exact Sciences
Classification: Uncertain significance for BBS12-related condition. Last evaluated: 2024-02-29. Review status: no assertion criteria provided. Collection method: clinical testing. Allele origin: germline. Not counted in ClinVar's aggregate classification.
Comment: The BBS12 c.1459A>G variant is predicted to result in the amino acid substitution p.Arg487Gly. To our knowledge, this variant has not been reported in the literature. This variant is reported in 0.050% of alleles in individuals of East Asian descent in gnomAD. At this time, the clinical significance of this variant is uncertain due to the absence of conclusive functional and genetic evidence.

Natera, Inc.
Classification: Uncertain significance for Bardet-Biedl syndrome type 12. Last evaluated: 2020-03-11. Review status: no assertion criteria provided. Collection method: clinical testing. Allele origin: germline. Not counted in ClinVar's aggregate classification.

Counsyl
Classification: Uncertain significance for Bardet-Biedl syndrome 12. Last evaluated: 2017-01-05. Review status: no assertion criteria provided. Collection method: clinical testing. Allele origin: unknown. Not counted in ClinVar's aggregate classification.